The following is an entry in ClinVar:

ClinVar aggregate classification (germline): Uncertain significance (1 of 4 stars; one submission).

Conditions:
Ataxia-telangiectasia syndrome (AT). Also called: Cerebello-oculocutaneous telangiectasia; Immunodeficiency with ataxia telangiectasia; AT, COMPLEMENTATION GROUP C; Ataxia-telangiectasia; Ataxia-telangiectasia, complementation group E; Ataxia telangiectasia (A-T). Identifiers: Orphanet 100, MedGen C0004135, MONDO:0008840, OMIM 208900.

Submission:

Labcorp Genetics (formerly Invitae), Labcorp
Classification: Uncertain significance for Ataxia-telangiectasia syndrome. Last evaluated: 2022-01-17. Review status: criteria provided, single submitter. Criteria: Invitae Variant Classification Sherloc (09022015). Collection method: clinical testing. Allele origin: germline.
Comment: This sequence change replaces tyrosine, which is neutral and polar, with cysteine, which is neutral and slightly polar, at codon 705 of the ATM protein (p.Tyr705Cys). In summary, the available evidence is currently insufficient to determine the role of this variant in disease. Therefore, it has been classified as a Variant of Uncertain Significance. Advanced modeling of protein sequence and biophysical properties (such as structural, functional, and spatial information, amino acid conservation, physicochemical variation, residue mobility, and thermodynamic stability) performed at Invitae indicates that this missense variant is not expected to disrupt ATM protein function. This variant has not been reported in the literature in individuals affected with ATM-related conditions. This variant is not present in population databases (gnomAD no frequency).

NM_000051.4(ATM):c.2114A>G (p.Tyr705Cys)

Gene: ATM (ATM serine/threonine kinase; plus strand). Cytogenetic location: 11q22.3.
Variant type: single nucleotide variant.
Coding change: c.2114A>G on transcript NM_000051.4 (MANE Select); coding-DNA position 2114, A replaced by G.
Protein change: p.Tyr705Cys; replaces tyrosine 705 with cysteine.
Molecular consequence: missense variant.
Genome position (GRCh38, 1-based): chr11:108,254,029, A>G. VCF-style: chr11-108254029-A-G. GRCh37 (hg19) VCF-style: chr11-108124756-A-G.
Other names: c.2114A>G, p.Tyr705Cys (NM_001351834.2); short protein forms Y705C.
Identifiers: ClinVar variation 2086663 (VCV002086663.4), dbSNP rs2135371799, ClinGen allele CA382537762.